The following is an entry in ClinVar:

ClinVar aggregate classification (germline): Uncertain significance. Review status: criteria provided, multiple submitters, no conflicts (2 of 4 stars). 4 submissions from 4 submitters: Uncertain significance (4). Last evaluated 2023-01-23.

Conditions:
Inborn genetic diseases. Identifiers: MedGen C0950123, MeSH D030342.
LAMA2-related muscular dystrophy (LAMA2-RD). Also called: Laminin alpha 2-related dystrophy. Identifiers: MedGen C5679788, MONDO:0100228.

Allele frequency attached by ClinVar (database versions not stated): gnomAD 0.00001; gnomAD exomes 0.00002; ExAC 0.00003; TOPMed 0.00003.
gnomAD v4.1: 39 of 1,565,560 alleles (0.0025%); highest among the groups gnomAD compares: Middle Eastern, 0.034%; no homozygotes.

Submissions (4):

Ambry Genetics
Classification: Uncertain significance for Inborn genetic diseases. Last evaluated: 2023-01-23. Review status: criteria provided, single submitter. Criteria: Ambry Variant Classification Scheme 2023. Collection method: clinical testing. Allele origin: germline.

Labcorp Genetics (formerly Invitae), Labcorp
Classification: Uncertain significance for LAMA2-related muscular dystrophy. Last evaluated: 2021-08-24. Review status: criteria provided, single submitter. Criteria: Invitae Variant Classification Sherloc (09022015). Collection method: clinical testing. Allele origin: germline.
Comment: This sequence change replaces aspartic acid with glycine at codon 1993 of the LAMA2 protein (p.Asp1993Gly). The aspartic acid residue is weakly conserved and there is a moderate physicochemical difference between aspartic acid and glycine. This variant is present in population databases (rs752249871, ExAC 0.009%). This variant has not been reported in the literature in individuals affected with LAMA2-related conditions. ClinVar contains an entry for this variant (Variation ID: 451284). Algorithms developed to predict the effect of missense changes on protein structure and function (SIFT, PolyPhen-2, Align-GVGD) all suggest that this variant is likely to be tolerated. In summary, the available evidence is currently insufficient to determine the role of this variant in disease. Therefore, it has been classified as a Variant of Uncertain Significance.

Revvity Omics, Revvity
Classification: Uncertain significance. Last evaluated: 2020-10-29. Review status: criteria provided, single submitter. Criteria: ACMG Guidelines, 2015. Collection method: clinical testing. Allele origin: germline.

GeneDx
Classification: Uncertain significance. Last evaluated: 2017-08-14. Review status: criteria provided, single submitter. Criteria: GeneDx Variant Classification (06012015). Collection method: clinical testing. Allele origin: germline. Affected: yes.
Comment: The D1993G variant has not been published as a pathogenic variant, nor has it been reported as a benign variant to our knowledge. The D1993G variant is not observed at a significant frequency in large population cohorts (Lek et al., 2016; 1000 Genomes Consortium et al., 2015; Exome Variant Server). This variant is a non-conservative amino acid substitution, which is likely to impact secondary protein structure as these residues differ in polarity, charge, size and/or other properties. However, this substitution occurs at a position that is not conserved, and in silico analysis is inconsistent in its predictions as to whether or not the variant is damaging to the protein structure/function.

NM_000426.4(LAMA2):c.5978A>G (p.Asp1993Gly)

Gene: LAMA2 (laminin subunit alpha 2; plus strand). Cytogenetic location: 6q22.33.
Variant type: single nucleotide variant.
Coding change: c.5978A>G on transcript NM_000426.4 (MANE Select); coding-DNA position 5978, A replaced by G.
Protein change: p.Asp1993Gly; replaces aspartic acid 1993 with glycine.
Molecular consequence: missense variant.
Genome position (GRCh38, 1-based): chr6:129,438,655, A>G. VCF-style: chr6-129438655-A-G. GRCh37 (hg19) VCF-style: chr6-129759800-A-G.
Other names: c.5978A>G, p.Asp1993Gly (NM_001079823.2); short protein forms D1993G.
Identifiers: ClinVar variation 451284 (VCV000451284.9), dbSNP rs752249871, ClinGen allele CA3994072.
Genomic context (GRCh38, chr6:129,438,655, plus strand): 5'-CTCAGGGATGATAAAACTTATTTAATCCTTTTTTTTGTTTTTTATTCGCAGAAAATGAAG[A>G]CCATCTAAATGGCTTAAAAACCAGGATAGAAAATGCTGATGCTAGAAATGGGGATCTCTT-3'
Protein context (NP_000417.3, residues 1983-2003): KLANDVKENE[Asp1993Gly]HLNGLKTRIE